The following is an entry in ClinVar:

ClinVar aggregate classification (germline): Uncertain significance (1 of 4 stars; one submission).

Conditions:
Hypertrophic cardiomyopathy. Also called: HYPERTROPHIC MYOCARDIOPATHY. Identifiers: Orphanet 217569, MedGen C0007194, MeSH D002312, MONDO:0005045, HP:0001639.

Submission:

Labcorp Genetics (formerly Invitae), Labcorp
Classification: Uncertain significance for Hypertrophic cardiomyopathy. Last evaluated: 2023-03-18. Review status: criteria provided, single submitter. Criteria: Invitae Variant Classification Sherloc (09022015). Collection method: clinical testing. Allele origin: germline.
Comment: In summary, the available evidence is currently insufficient to determine the role of this variant in disease. Therefore, it has been classified as a Variant of Uncertain Significance. This variant has not been reported in the literature in individuals affected with MYL3-related conditions. A copy number gain of the genomic region encompassing the full coding sequence of the MYL3 gene has been identified. The boundaries of this event are unknown as they extend beyond the assayed region for this gene and therefore may encompass additional genes. As the precise location of this event is unknown, it may be in tandem or it may be located elsewhere in the genome.

NC_000003.11:g.(?_46899734)_(46904880_?)dup

Gene: MYL3 (myosin light chain 3; minus strand). Cytogenetic location: 3p21.31.
Variant type: Duplication.
Identifiers: ClinVar variation 2422701 (VCV002422701.5).